The following is an entry in ClinVar:

NM_152419.3(HGSNAT):c.1030C>G (p.Arg344Gly)

Gene: HGSNAT (heparan-alpha-glucosaminide N-acetyltransferase; plus strand). Cytogenetic location: 8p11.21.
Variant type: single nucleotide variant.
Coding change: c.1030C>G on transcript NM_152419.3 (MANE Select); coding-DNA position 1030, C replaced by G.
Protein change: p.Arg344Gly; replaces arginine 344 with glycine.
Molecular consequence: missense variant.
Genome position (GRCh38, 1-based): chr8:43,182,162, C>G. VCF-style: chr8-43182162-C-G. GRCh37 (hg19) VCF-style: chr8-43037305-C-G.
Other names: c.1030C>G, p.Arg344Gly (NM_001363227.2); c.838C>G, p.Arg280Gly (NM_001363228.2); c.166C>G, p.Arg56Gly (NM_001363229.2); short protein forms R280G, R344G, R56G.
Identifiers: ClinVar variation 4687187 (VCV004687187.1).

ClinVar aggregate classification (germline): Uncertain significance (1 of 4 stars; one submission).

Submission:

Women's Health and Genetics/Laboratory Corporation of America, LabCorp
Classification: Uncertain significance. Last evaluated: 2025-10-30. Review status: criteria provided, single submitter. Criteria: LabCorp Variant Classification Summary - May 2015. Collection method: clinical testing. Allele origin: germline.
Comment: Variant summary: HGSNAT c.1030C>G (p.Arg344Gly) results in a non-conservative amino acid change in the encoded protein sequence. Algorithms developed to predict the effect of missense changes on protein structure and function all suggest that this variant is likely to be disruptive. The variant was absent in 249274 control chromosomes. The available data on variant occurrences in the general population are insufficient to allow any conclusion about variant significance. To our knowledge, no occurrence of c.1030C>G in individuals affected with HGSNAT-related conditions and no experimental evidence demonstrating its impact on protein function have been reported. A different variant affecting the same codon has been classified as likely pathogenic/pathogenic by our lab (c.1030C>T, p.Arg344Cys), supporting the critical relevance of codon 344 to HGSNAT protein function. No submitters have cited clinical-significance assessments for this variant to ClinVar. Based on the evidence outlined above, the variant was classified as uncertain significance.